The following is an entry in ClinVar:

NM_001031689.3(PLAA):c.148A>C (p.Ser50Arg)

Gene: PLAA (phospholipase A2 activating protein; minus strand). Cytogenetic location: 9p21.2.
Variant type: single nucleotide variant.
Coding change: c.148A>C on transcript NM_001031689.3 (MANE Select); coding-DNA position 148, A replaced by C.
Protein change: p.Ser50Arg; replaces serine 50 with arginine.
Molecular consequence: missense variant.
Genome position (GRCh38, 1-based): chr9:26,946,898, T>G on the plus strand (A>C on the coding strand, the complement: PLAA is on the minus strand). VCF-style: chr9-26946898-T-G. GRCh37 (hg19) VCF-style: chr9-26946896-T-G.
Other names: c.148A>C, p.Ser50Arg (NM_001321546.2); short protein forms S50R.
Identifiers: ClinVar variation 1508799 (VCV001508799.4), dbSNP rs768446484, ClinGen allele CA5014723.

ClinVar aggregate classification (germline): Uncertain significance (1 of 4 stars; one submission).

Allele frequency attached by ClinVar (database versions not stated): gnomAD exomes 0.00002 and 0.00004; TOPMed 0.00002; ExAC 0.00009.
gnomAD v4.1: 11 of 1,578,960 alleles (0.0007%); highest among the groups gnomAD compares: Admixed American, 0.02%; no homozygotes.

Submission:

Labcorp Genetics (formerly Invitae), Labcorp
Classification: Uncertain significance. Last evaluated: 2023-08-24. Review status: criteria provided, single submitter. Criteria: Invitae Variant Classification Sherloc (09022015). Collection method: clinical testing. Allele origin: germline.
Comment: This sequence change replaces serine, which is neutral and polar, with arginine, which is basic and polar, at codon 50 of the PLAA protein (p.Ser50Arg). This variant is present in population databases (rs768446484, gnomAD 0.03%). This variant has not been reported in the literature in individuals affected with PLAA-related conditions. ClinVar contains an entry for this variant (Variation ID: 1508799). An algorithm developed to predict the effect of missense changes on protein structure and function (PolyPhen-2) suggests that this variant is likely to be disruptive. Algorithms developed to predict the effect of sequence changes on RNA splicing suggest that this variant may create or strengthen a splice site. In summary, the available evidence is currently insufficient to determine the role of this variant in disease. Therefore, it has been classified as a Variant of Uncertain Significance.